The following is an entry in ClinVar:

ClinVar aggregate classification (germline): Uncertain significance (1 of 4 stars; one submission).

Conditions:
Dilated cardiomyopathy 1J (CMD1J). Also called: CARDIOMYOPATHY, DILATED, WITH SENSORINEURAL HEARING LOSS, AUTOSOMAL DOMINANT. Identifiers: Orphanet 217622, MedGen C1854368, MONDO:0011541, OMIM 605362.

Submission:

Labcorp Genetics (formerly Invitae), Labcorp
Classification: Uncertain significance for Dilated cardiomyopathy 1J. Last evaluated: 2022-02-02. Review status: criteria provided, single submitter. Criteria: Invitae Variant Classification Sherloc (09022015). Collection method: clinical testing. Allele origin: germline.
Comment: This variant is not present in population databases (gnomAD no frequency). In summary, the available evidence is currently insufficient to determine the role of this variant in disease. Therefore, it has been classified as a Variant of Uncertain Significance. Algorithms developed to predict the effect of missense changes on protein structure and function (SIFT, PolyPhen-2, Align-GVGD) all suggest that this variant is likely to be tolerated. This variant has not been reported in the literature in individuals affected with EYA4-related conditions. This sequence change replaces glutamic acid, which is acidic and polar, with aspartic acid, which is acidic and polar, at codon 378 of the EYA4 protein (p.Glu378Asp).

NM_004100.5(EYA4):c.1134A>T (p.Glu378Asp)

Gene: EYA4 (EYA transcriptional coactivator and phosphatase 4; plus strand). Cytogenetic location: 6q23.2.
Variant type: single nucleotide variant.
Coding change: c.1134A>T on transcript NM_004100.5 (MANE Select); coding-DNA position 1134, A replaced by T.
Protein change: p.Glu378Asp; replaces glutamic acid 378 with aspartic acid.
Molecular consequence: missense variant.
Genome position (GRCh38, 1-based): chr6:133,483,058, A>T. VCF-style: chr6-133483058-A-T. GRCh37 (hg19) VCF-style: chr6-133804196-A-T.
Other names: c.972A>T, p.Glu324Asp (NM_001301012.2); c.1152A>T, p.Glu384Asp (NM_001301013.2); c.1065A>T, p.Glu355Asp (NM_001370458.1, NM_172103.4); c.990A>T, p.Glu330Asp (NM_001370459.1); c.1134A>T, p.Glu378Asp (NM_172105.4); short protein forms E378D, E324D, E330D, E355D, E384D.
Identifiers: ClinVar variation 1498358 (VCV001498358.8), dbSNP rs2128711218, ClinGen allele CA365706660.